The following is an entry in ClinVar:

ClinVar aggregate classification (germline): Pathogenic. Review status: criteria provided, single submitter (1 of 4 stars). 3 submissions from 3 submitters: Pathogenic (1). 2 of the submissions do not count toward it. Last evaluated 2025-04-23.

Allele frequency attached by ClinVar (database versions not stated): ExAC 0.00004; TOPMed 0.00004; gnomAD exomes 0.00005 and 0.00008; gnomAD 0.00009 and 0.00010.

Submissions (3):

Labcorp Genetics (formerly Invitae), Labcorp
Classification: Pathogenic. Last evaluated: 2025-04-23. Review status: criteria provided, single submitter. Criteria: Invitae Variant Classification Sherloc (09022015). Collection method: clinical testing. Allele origin: germline.
Comment: This sequence change creates a premature translational stop signal (p.Asp330Glufs*7) in the CEP63 gene. It is expected to result in an absent or disrupted protein product. Loss-of-function variants in CEP63 are known to be pathogenic (PMID: 21983783, 23936128, 26158450). This variant is present in population databases (rs774485513, gnomAD 0.01%). This variant has not been reported in the literature in individuals affected with CEP63-related conditions. ClinVar contains an entry for this variant (Variation ID: 1206034). Algorithms developed to predict the effect of sequence changes on RNA splicing suggest that this variant may disrupt the consensus splice site. For these reasons, this variant has been classified as Pathogenic.

Clinical Genetics DNA and cytogenetics Diagnostics Lab, Erasmus MC, Erasmus Medical Center
Classification: Uncertain significance. Review status: no assertion criteria provided. Collection method: clinical testing. Allele origin: germline. Affected: yes. Study: VKGL Data-share Consensus. Not counted in ClinVar's aggregate classification.

Laboratory of Diagnostic Genome Analysis, Leiden University Medical Center (LUMC)
Classification: Uncertain significance. Review status: no assertion criteria provided. Collection method: clinical testing. Allele origin: germline. Affected: yes. Study: VKGL Data-share Consensus. Not counted in ClinVar's aggregate classification.

Literature cited by the submitters: PubMed 21983783 (cited by Labcorp Genetics (formerly Invitae), Labcorp); PubMed 23936128 (cited by Labcorp Genetics (formerly Invitae), Labcorp); PubMed 26158450 (cited by Labcorp Genetics (formerly Invitae), Labcorp).

NM_001353108.3(CEP63):c.990del (p.Asp330fs)

Gene: CEP63 (centrosomal protein 63; plus strand). Cytogenetic location: 3q22.2.
Variant type: Deletion.
Coding change: c.990del on transcript NM_001353108.3 (MANE Select); coding-DNA position 990, one base deleted (C; older notation c.990delC).
Protein change: p.Asp330fs; shifts the reading frame from aspartic acid 330.
Molecular consequence: frameshift variant. On other transcripts: non-coding transcript variant (1), intron variant (12).
Genome position (GRCh38, 1-based): chr3:134,547,395, C deleted. VCF-style (leftmost placement, unchanged base first): chr3-134547394-AC-A. GRCh37 (hg19) VCF-style: chr3-134266236-AC-A.
Other names: c.990del, p.Asp330fs (NM_001042400.3, NM_001353110.1, NM_001353111.2 and 4 more transcripts); c.929+1107del (NM_001042384.2, NM_001353122.1, NM_001353109.1 and 6 more transcripts); c.956+1107del (NM_001353118.1); c.566+1107del (NM_001353126.2); c.845+1107del (NM_001353125.2); short protein forms D330fs.
Identifiers: ClinVar variation 1206034 (VCV001206034.6), dbSNP rs774485513, ClinGen allele CA2628550.